The following is an entry in ClinVar:

NM_000553.6(WRN):c.1421A>G (p.Glu474Gly)

Gene: WRN (WRN RecQ like helicase; plus strand). Cytogenetic location: 8p12.
Variant type: single nucleotide variant.
Coding change: c.1421A>G on transcript NM_000553.6 (MANE Select); coding-DNA position 1421, A replaced by G.
Protein change: p.Glu474Gly; replaces glutamic acid 474 with glycine.
Molecular consequence: missense variant.
Genome position (GRCh38, 1-based): chr8:31,085,236, A>G. VCF-style: chr8-31085236-A-G. GRCh37 (hg19) VCF-style: chr8-30942752-A-G.
Other names: short protein forms E474G.
Identifiers: ClinVar variation 2783098 (VCV002783098.3), dbSNP rs1813483691, ClinGen allele CA370923906.

ClinVar aggregate classification (germline): Uncertain significance (1 of 4 stars; one submission).

Conditions:
Werner syndrome (WRN). Identifiers: Orphanet 902, MedGen C0043119, MONDO:0010196, OMIM 277700.

Allele frequency attached by ClinVar (database versions not stated): TOPMed below 0.00001.

Submission:

Labcorp Genetics (formerly Invitae), Labcorp
Classification: Uncertain significance for Werner syndrome. Last evaluated: 2023-10-27. Review status: criteria provided, single submitter. Criteria: Invitae Variant Classification Sherloc (09022015). Collection method: clinical testing. Allele origin: germline.
Comment: This sequence change replaces glutamic acid, which is acidic and polar, with glycine, which is neutral and non-polar, at codon 474 of the WRN protein (p.Glu474Gly). This variant is not present in population databases (gnomAD no frequency). This variant has not been reported in the literature in individuals affected with WRN-related conditions. An algorithm developed to predict the effect of missense changes on protein structure and function (PolyPhen-2) suggests that this variant is likely to be disruptive. In summary, the available evidence is currently insufficient to determine the role of this variant in disease. Therefore, it has been classified as a Variant of Uncertain Significance.